The following is an entry in ClinVar:

NM_021930.6(RINT1):c.1393A>G (p.Lys465Glu)

Gene: RINT1 (RAD50 interactor 1; plus strand). Cytogenetic location: 7q22.3.
Variant type: single nucleotide variant.
Coding change: c.1393A>G on transcript NM_021930.6 (MANE Select); coding-DNA position 1393, A replaced by G.
Protein change: p.Lys465Glu; replaces lysine 465 with glutamic acid.
Molecular consequence: missense variant. On other transcripts: non-coding transcript variant (1).
Genome position (GRCh38, 1-based): chr7:105,551,629, A>G. VCF-style: chr7-105551629-A-G. GRCh37 (hg19) VCF-style: chr7-105192076-A-G.
Other names: c.1159A>G, p.Lys387Glu (NM_001346599.2); c.370A>G, p.Lys124Glu (NM_001346600.2, NM_001346603.2); c.469A>G, p.Lys157Glu (NM_001346601.2); c.1393A>G (NM_021930.4); short protein forms K157E, K465E, K124E, K387E.
Identifiers: ClinVar variation 1461112 (VCV001461112.10), dbSNP rs1327097161, ClinGen allele CA368810046.

ClinVar aggregate classification (germline): Uncertain significance. Review status: criteria provided, multiple submitters, no conflicts (2 of 4 stars). 2 submissions from 2 submitters: Uncertain significance (2). Last evaluated 2025-07-25.

Allele frequency attached by ClinVar (database versions not stated): gnomAD exomes 0.00001; TOPMed 0.00001.
gnomAD v4.1: 4 of 1,611,924 alleles (0.00025%); highest among the groups gnomAD compares: East Asian, 0.0067%; no homozygotes.

Submissions (2):

Ambry Genetics
Classification: Uncertain significance. Last evaluated: 2025-07-25. Review status: criteria provided, single submitter. Criteria: Ambry Variant Classification Scheme 2023. Collection method: clinical testing. Allele origin: germline.
Comment: The p.K465E variant (also known as c.1393A>G), located in coding exon 10 of the RINT1 gene, results from an A to G substitution at nucleotide position 1393. The lysine at codon 465 is replaced by glutamic acid, an amino acid with similar properties. This amino acid position is conserved. In addition, this alteration is predicted to be tolerated by in silico analysis. Since supporting evidence is limited at this time, the clinical significance of this alteration remains unclear.

Labcorp Genetics (formerly Invitae), Labcorp
Classification: Uncertain significance. Last evaluated: 2022-11-02. Review status: criteria provided, single submitter. Criteria: Invitae Variant Classification Sherloc (09022015). Collection method: clinical testing. Allele origin: germline.
Comment: ClinVar contains an entry for this variant (Variation ID: 1461112). Algorithms developed to predict the effect of missense changes on protein structure and function (SIFT, PolyPhen-2, Align-GVGD) all suggest that this variant is likely to be tolerated. In summary, the available evidence is currently insufficient to determine the role of this variant in disease. Therefore, it has been classified as a Variant of Uncertain Significance. This variant has not been reported in the literature in individuals affected with RINT1-related conditions. This sequence change replaces lysine, which is basic and polar, with glutamic acid, which is acidic and polar, at codon 465 of the RINT1 protein (p.Lys465Glu). The frequency data for this variant in the population databases is considered unreliable, as metrics indicate poor data quality at this position in the gnomAD database.